The following is an entry in ClinVar:

NM_213720.3(CHCHD10):c.268A>C (p.Thr90Pro)

Gene: CHCHD10 (coiled-coil-helix-coiled-coil-helix domain containing 10; minus strand). Cytogenetic location: 22q11.23.
Variant type: single nucleotide variant.
Coding change: c.268A>C on transcript NM_213720.3 (MANE Select); coding-DNA position 268, A replaced by C.
Protein change: p.Thr90Pro; replaces threonine 90 with proline.
Molecular consequence: missense variant. On other transcripts: non-coding transcript variant (2).
Genome position (GRCh38, 1-based): chr22:23,766,269, T>G on the plus strand (A>C on the coding strand, the complement: CHCHD10 is on the minus strand). VCF-style: chr22-23766269-T-G. GRCh37 (hg19) VCF-style: chr22-24108456-T-G.
Other names: p.Thr90Pro; c.289A>C, p.Thr97Pro (NM_001301339.2); short protein forms T90P, T97P.
Identifiers: ClinVar variation 1250381 (VCV001250381.10), dbSNP rs767301039, ClinGen allele CA10145274.

ClinVar aggregate classification (germline): Benign/Likely benign. Review status: criteria provided, multiple submitters, no conflicts (2 of 4 stars). 6 submissions from 6 submitters: Benign (4); Likely benign (1). 1 of the submissions does not count toward it. Last evaluated 2025-04-08.

Conditions:
CHCHD10-related disorder. Also called: CHCHD10-related condition; CHCHD10-Related Disorders. Identifiers: MedGen CN381526.
Inborn genetic diseases. Identifiers: MedGen C0950123, MeSH D030342.
Lower motor neuron syndrome with late-adult onset (SMAJ). Also called: Late-Onset Spinal Motor Neuronopathy (SMAJ); Spinal muscular atrophy, Jokela type. Identifiers: Orphanet 276435, MedGen C3554398, MONDO:0014025, OMIM 615048.
Frontotemporal dementia and/or amyotrophic lateral sclerosis 2. Also called: FTDALS2. Identifiers: Orphanet 275872, MedGen C4014648, MONDO:0014395, OMIM 615911.
Autosomal dominant mitochondrial myopathy with exercise intolerance (IMMD). Also called: Myopathy, isolated mitochondrial, autosomal dominant. Identifiers: Orphanet 457050, MedGen C4015513, MONDO:0014532, OMIM 616209.

Allele frequency attached by ClinVar (database versions not stated): ExAC 0.00046; gnomAD exomes 0.05840.

Submissions (6):

Mayo Clinic Laboratories, Mayo Clinic
Classification: Benign. Last evaluated: 2025-04-08. Review status: criteria provided, single submitter. Criteria: ACMG Guidelines, 2015. Collection method: clinical testing. Allele origin: germline. Observed: 2 variant alleles.
Comment: BS1, BP4_strong

Labcorp Genetics (formerly Invitae), Labcorp
Classification: Benign for Lower motor neuron syndrome with late-adult onset; Frontotemporal dementia and/or amyotrophic lateral sclerosis 2; Autosomal dominant mitochondrial myopathy with exercise intolerance. Last evaluated: 2024-03-22. Review status: criteria provided, single submitter. Criteria: Invitae Variant Classification Sherloc (09022015). Collection method: clinical testing. Allele origin: germline.

Ambry Genetics
Classification: Likely benign for Inborn genetic diseases. Last evaluated: 2020-01-23. Review status: criteria provided, single submitter. Criteria: Ambry Variant Classification Scheme 2023. Collection method: clinical testing. Allele origin: germline.

GeneDx
Classification: Benign. Last evaluated: 2019-08-20. Review status: criteria provided, single submitter. Criteria: GeneDx Variant Classification Process June 2021. Collection method: clinical testing. Allele origin: germline. Affected: yes.

Breakthrough Genomics
Classification: Benign. Review status: criteria provided, single submitter. Criteria: ACMG Guidelines, 2015. Collection method: not provided. Allele origin: germline. Inheritance: Autosomal dominant inheritance. Affected: yes.

PreventionGenetics, part of Exact Sciences
Classification: Benign for CHCHD10-related condition. Last evaluated: 2019-09-10. Review status: no assertion criteria provided. Collection method: clinical testing. Allele origin: germline. Not counted in ClinVar's aggregate classification.
Comment: This variant is classified as benign based on ACMG/AMP sequence variant interpretation guidelines (Richards et al. 2015 PMID: 25741868, with internal and published modifications).